The following is an entry in ClinVar:

NM_004958.4(MTOR):c.4277C>T (p.Pro1426Leu)

Gene: MTOR (mechanistic target of rapamycin kinase; minus strand). Cytogenetic location: 1p36.22.
Variant type: single nucleotide variant.
Coding change: c.4277C>T on transcript NM_004958.4 (MANE Select); coding-DNA position 4277, C replaced by T.
Protein change: p.Pro1426Leu; replaces proline 1426 with leucine.
Molecular consequence: missense variant.
Genome position (GRCh38, 1-based): chr1:11,167,494, G>A on the plus strand (C>T on the coding strand, the complement: MTOR is on the minus strand). VCF-style: chr1-11167494-G-A. GRCh37 (hg19) VCF-style: chr1-11227551-G-A.
Other names: c.4277C>T, p.Pro1426Leu (NM_001386500.1); c.3029C>T, p.Pro1010Leu (NM_001386501.1); short protein forms P1426L, P1010L.
Identifiers: ClinVar variation 3711532 (VCV003711532.2).
Genomic context (GRCh38, chr1:11,167,494, plus strand): 5'-GTGCTTACCAGCTCTCCAAAGTGTTTCATGGCATATTCTAACACTCCGGCCGCTGCCTCC[G>A]GCTGCTGTAGCTTATTATTAATGCTGAGAAAACAAAGGGAAAAGGTAGTTACACTCAACA-3'
Protein context (NP_004949.1, residues 1416-1436): LISINNKLQQ[Pro1426Leu]EAAAGVLEYA

ClinVar aggregate classification (germline): Uncertain significance (1 of 4 stars; one submission).

gnomAD v4.1: 5 of 1,612,698 alleles (0.00031%); highest among the groups gnomAD compares: East Asian, 0.0022%; no homozygotes.

Submission:

Labcorp Genetics (formerly Invitae), Labcorp
Classification: Uncertain significance. Last evaluated: 2025-04-28. Review status: criteria provided, single submitter. Criteria: Invitae Variant Classification Sherloc (09022015). Collection method: clinical testing. Allele origin: germline.
Comment: This sequence change replaces proline, which is neutral and non-polar, with leucine, which is neutral and non-polar, at codon 1426 of the MTOR protein (p.Pro1426Leu). This variant is present in population databases (rs35509012, gnomAD 0.006%). This variant has not been reported in the literature in individuals affected with MTOR-related conditions. ClinVar contains an entry for this variant (Variation ID: 3711532). Invitae Evidence Modeling of protein sequence and biophysical properties (such as structural, functional, and spatial information, amino acid conservation, physicochemical variation, residue mobility, and thermodynamic stability) indicates that this missense variant is not expected to disrupt MTOR protein function with a negative predictive value of 95%. In summary, the available evidence is currently insufficient to determine the role of this variant in disease. Therefore, it has been classified as a Variant of Uncertain Significance.